The following is an entry in ClinVar:

NM_000540.3(RYR1):c.8816+304C>T

Gene: RYR1 (ryanodine receptor 1; plus strand). Cytogenetic location: 19q13.2.
Variant type: single nucleotide variant.
Coding change: c.8816+304C>T on transcript NM_000540.3 (MANE Select); 304 bases into the intron after coding-DNA position 8816, C replaced by T.
Molecular consequence: intron variant.
Genome position (GRCh38, 1-based): chr19:38,507,256, C>T. VCF-style: chr19-38507256-C-T. GRCh37 (hg19) VCF-style: chr19-38997896-C-T.
Other names: c.8816+304C>T (NM_001042723.2).
Identifiers: ClinVar variation 680760 (VCV000680760.1), dbSNP rs11880187, ClinGen allele CA15943296.

ClinVar aggregate classification (germline): Benign (1 of 4 stars; one submission).

Allele frequency attached by ClinVar (database versions not stated): gnomAD 0.33196 and 0.33824; TOPMed 0.33244; 1000 Genomes Project 30x 0.40240; 1000 Genomes Project 0.40615.
gnomAD v4.1: 46,461 of 137,460 alleles (34%); highest among the groups gnomAD compares: South Asian, 48%; 7,906 homozygotes.

Submission:

GeneDx
Classification: Benign. Last evaluated: 2018-06-14. Review status: criteria provided, single submitter. Criteria: GeneDx Variant Classification (06012015). Collection method: clinical testing. Allele origin: germline. Affected: yes.
Comment: This variant is considered likely benign or benign based on one or more of the following criteria: it is a conservative change, it occurs at a poorly conserved position in the protein, it is predicted to be benign by multiple in silico algorithms, and/or has population frequency not consistent with disease.